The following is an entry in ClinVar:

NC_000023.10:g.(32662431_32663080)_(32663270_32715986)del

Gene: DMD (dystrophin; minus strand). Cytogenetic location: Xp21.1.
Variant type: Deletion.
Identifiers: ClinVar variation 3769422 (VCV003769422.2).

ClinVar aggregate classification (germline): Pathogenic (1 of 4 stars; one submission).

Conditions:
Neuromuscular disease caused by qualitative or quantitative defects of dystrophin. Also called: Qualitative or quantitative defects of dystrophin. Identifiers: Orphanet 207085, MedGen C5679787, MONDO:0016147.

Submission:

Women's Health and Genetics/Laboratory Corporation of America, LabCorp
Classification: Pathogenic for Neuromuscular disease caused by qualitative or quantitative defects of dystrophin. Last evaluated: 2025-01-27. Review status: criteria provided, single submitter. Criteria: LabCorp Variant Classification Summary - May 2015. Collection method: clinical testing. Allele origin: germline.
Comment: Variant summary: The variant involves the deletion of exon 10 in the DMD gene. A presumed nomenclature of c.(960+1_961-1)_(1149+1_1150-1)del has been designated for the purposes of this classification. This Copy Number Variant (CNV) is predicted to result in an in-frame deletion within this gene. The variant was absent in 16120 control chromosomes (gnomAD, structural variants dataset). c.(960+1_961-1)_(1149+1_1150-1)del has been reported in the literature in multiple individuals affected with Dystrophinopathies (e.g. Lopez-Hernandez_2015, Mor-Yoshimura_2018, Xiao_2021, Sattenpalli_2023, Xie_2023). These data indicate that the variant is very likely to be associated with disease. The following publications have been ascertained in the context of this evaluation (PMID: 25761239, 29614690, 34268379, 36721834, 38146684). No submitters have cited clinical-significance assessments for this variant to ClinVar. Based on the evidence outlined above, the variant was classified as pathogenic.

Literature cited by the submitters: PubMed 34268379; PubMed 25761239; PubMed 38146684; PubMed 29614690; PubMed 36721834.